The following is an entry in ClinVar:

ClinVar aggregate classification (germline): Likely pathogenic (1 of 4 stars; one submission).

Submission:

Labcorp Genetics (formerly Invitae), Labcorp
Classification: Likely pathogenic. Last evaluated: 2023-09-14. Review status: criteria provided, single submitter. Criteria: Invitae Variant Classification Sherloc (09022015). Collection method: clinical testing. Allele origin: germline.
Comment: In summary, the currently available evidence indicates that the variant is pathogenic, but additional data are needed to prove that conclusively. Therefore, this variant has been classified as Likely Pathogenic. Algorithms developed to predict the effect of sequence changes on RNA splicing suggest that this variant may disrupt the consensus splice site. This variant has not been reported in the literature in individuals affected with ABCC2-related conditions. This variant is not present in population databases (gnomAD no frequency). This sequence change affects an acceptor splice site in intron 4 of the ABCC2 gene. It is expected to disrupt RNA splicing. Variants that disrupt the donor or acceptor splice site typically lead to a loss of protein function (PMID: 16199547), and loss-of-function variants in ABCC2 are known to be pathogenic (PMID: 9185779, 16549534, 16952291).

Literature cited by the submitters: PubMed 16199547; PubMed 9185779; PubMed 16549534; PubMed 16952291.

NM_000392.5(ABCC2):c.469-1G>A

Gene: ABCC2 (ATP binding cassette subfamily C member 2; plus strand). Cytogenetic location: 10q24.2.
Variant type: single nucleotide variant.
Coding change: c.469-1G>A on transcript NM_000392.5 (MANE Select); the canonical splice acceptor site of the intron before coding-DNA position 469, G replaced by A.
Molecular consequence: splice acceptor variant.
Genome position (GRCh38, 1-based): chr10:99,793,891, G>A. VCF-style: chr10-99793891-G-A. GRCh37 (hg19) VCF-style: chr10-101553648-G-A.
Identifiers: ClinVar variation 2869706 (VCV002869706.3), dbSNP rs2037850990, ClinGen allele CA378102798.
Genomic context (GRCh38, chr10:99,793,891, plus strand): 5'-GGCCATGTAGACTTCCTTTGGACAAAAGGCTCATTTTTCCTCTTTGTTTTTTTCCTCATA[G>A]GGTGACAATTCTAATCTAGCCTACTCCTGCCTGTTCTTCATCTCCTACGGATTCCAGATC-3'